The following is an entry in ClinVar:

ClinVar aggregate classification (germline): Uncertain significance (1 of 4 stars; one submission).

Allele frequency attached by ClinVar (database versions not stated): gnomAD 0.00001; gnomAD exomes below 0.00001; TOPMed below 0.00001.
gnomAD v4.1: 4 of 1,614,028 alleles (0.00025%); highest among the groups gnomAD compares: Non-Finnish European, 0.00025%; no homozygotes.

Submission:

Ambry Genetics
Classification: Uncertain significance. Last evaluated: 2025-11-18. Review status: criteria provided, single submitter. Criteria: Ambry Variant Classification Scheme 2023. Collection method: clinical testing. Allele origin: germline.
Comment: The p.S1612T variant (also known as c.4834T>A), located in coding exon 43 of the KIF1B gene, results from a T to A substitution at nucleotide position 4834. The serine at codon 1612 is replaced by threonine, an amino acid with similar properties. This amino acid position is conserved. In addition, this alteration is predicted to be tolerated by in silico analysis. Since supporting evidence is limited at this time, the clinical significance of this alteration remains unclear.

NM_001365951.3(KIF1B):c.4972T>A (p.Ser1658Thr)

Gene: KIF1B (kinesin family member 1B; plus strand). Cytogenetic location: 1p36.22.
Variant type: single nucleotide variant.
Coding change: c.4972T>A on transcript NM_001365951.3 (MANE Select); coding-DNA position 4972, T replaced by A.
Protein change: p.Ser1658Thr; replaces serine 1658 with threonine.
Molecular consequence: missense variant.
Genome position (GRCh38, 1-based): chr1:10,374,341, T>A. VCF-style: chr1-10374341-T-A. GRCh37 (hg19) VCF-style: chr1-10434399-T-A.
Other names: c.4972T>A, p.Ser1658Thr (NM_001365952.1); c.4834T>A, p.Ser1612Thr (NM_015074.3); short protein forms S1612T, S1658T.
Identifiers: ClinVar variation 2561708 (VCV002561708.3), dbSNP rs1200399803, ClinGen allele CA338328689.